The following is an entry in ClinVar:

NM_003124.5(SPR):c.497G>A (p.Gly166Asp)

Gene: SPR (sepiapterin reductase; plus strand). Cytogenetic location: 2p13.2.
Variant type: single nucleotide variant.
Coding change: c.497G>A on transcript NM_003124.5 (MANE Select); coding-DNA position 497, G replaced by A.
Protein change: p.Gly166Asp; replaces glycine 166 with aspartic acid.
Molecular consequence: missense variant.
Genome position (GRCh38, 1-based): chr2:72,888,506, G>A. VCF-style: chr2-72888506-G-A. GRCh37 (hg19) VCF-style: chr2-73115635-G-A.
Other names: short protein forms G166D.
Identifiers: ClinVar variation 932054 (VCV000932054.3), dbSNP rs1404932614, ClinGen allele CA347231877.
Genomic context (GRCh38, chr2:72,888,506, plus strand): 5'-CTGGCCTCAACAGAACCGTGGTTAACATCTCGTCCCTCTGTGCCCTGCAACCTTTCAAAG[G>A]CTGGGCGCTGTACTGTGCAGGAAAGGCTGCTCGTGATATGCTGTTCCAGGTCCTGGCGCT-3'
Protein context (NP_003115.1, residues 156-176): SSLCALQPFK[Gly166Asp]WALYCAGKAA

ClinVar aggregate classification (germline): Uncertain significance (1 of 4 stars; one submission).

Conditions:
Dopa-responsive dystonia due to sepiapterin reductase deficiency. Also called: Sepiapterin reductase deficiency; SPR DEFICIENCY; DYT-SPR. Identifiers: Orphanet 70594, MedGen C0268468, MONDO:0012994, OMIM 612716.

Allele frequency attached by ClinVar (database versions not stated): TOPMed below 0.00001; gnomAD exomes 0.00002.
gnomAD v4.1: 29 of 1,613,252 alleles (0.0018%); highest among the groups gnomAD compares: Non-Finnish European, 0.0025%; no homozygotes.

Submission:

Centre for Mendelian Genomics, University Medical Centre Ljubljana
Classification: Uncertain significance for Dopa-responsive dystonia due to sepiapterin reductase deficiency. Last evaluated: 2019-02-22. Review status: criteria provided, single submitter. Criteria: ACMG Guidelines, 2015. Collection method: clinical testing. Allele origin: unknown. Affected: yes.
Comment: This variant was classified as: Uncertain significance. The available evidence on this variant's pathogenicity is insufficient or conflicting. The following ACMG criteria were applied in classifying this variant: PM2.